The following is an entry in ClinVar:

NM_152703.5(SAMD9L):c.888C>A (p.Asn296Lys)

Gene: SAMD9L (sterile alpha motif domain containing 9 like; minus strand). Cytogenetic location: 7q21.2.
Variant type: single nucleotide variant.
Coding change: c.888C>A on transcript NM_152703.5 (MANE Select); coding-DNA position 888, C replaced by A.
Protein change: p.Asn296Lys; replaces asparagine 296 with lysine.
Molecular consequence: missense variant.
Genome position (GRCh38, 1-based): chr7:93,135,084, G>T on the plus strand (C>A on the coding strand, the complement: SAMD9L is on the minus strand). VCF-style: chr7-93135084-G-T. GRCh37 (hg19) VCF-style: chr7-92764397-G-T.
Other names: c.888C>A, p.Asn296Lys (NM_001303496.3, NM_001303497.3, NM_001303498.3 and 5 more transcripts); short protein forms N296K.
Identifiers: ClinVar variation 5028973 (VCV005028973.1).
Genomic context (GRCh38, chr7:93,135,084, plus strand): 5'-ACATATAGAGTGTTTTGGAATAGTATCAACTTCAATGACAAATCTGTCAGATGGTGTATT[G>T]TTCTGCAGAAGGACTTCCACAAACCTTGGCTCCCGAATACACTTCTTGGCTTCATTGATC-3'
Protein context (NP_689916.2, residues 286-306): EPRFVEVLLQ[Asn296Lys]NTPSDRFVIE

ClinVar aggregate classification (germline): Uncertain significance (1 of 4 stars; one submission).

Conditions:
Inborn genetic diseases. Identifiers: MedGen C0950123, MeSH D030342.

Submission:

Ambry Genetics
Classification: Uncertain significance for Inborn genetic diseases. Last evaluated: 2026-08-28. Review status: criteria provided, single submitter. Criteria: Ambry Variant Classification Scheme 2023. Collection method: clinical testing. Allele origin: germline.
Comment: The p.N296K variant (also known as c.888C>A), located in coding exon 1 of the SAMD9L gene, results from a C to A substitution at nucleotide position 888. The asparagine at codon 296 is replaced by lysine, an amino acid with similar properties. This amino acid position is conserved. In addition, this alteration is predicted to be tolerated by in silico analysis. Based on the available evidence, the clinical significance of this variant remains unclear.